The following is an entry in ClinVar:

NM_030625.3(TET1):c.496C>T (p.Leu166Phe)

Gene: TET1 (tet methylcytosine dioxygenase 1; plus strand). Cytogenetic location: 10q21.3.
Variant type: single nucleotide variant.
Coding change: c.496C>T on transcript NM_030625.3 (MANE Select); coding-DNA position 496, C replaced by T.
Protein change: p.Leu166Phe; replaces leucine 166 with phenylalanine.
Molecular consequence: missense variant.
Genome position (GRCh38, 1-based): chr10:68,572,834, C>T. VCF-style: chr10-68572834-C-T. GRCh37 (hg19) VCF-style: chr10-70332591-C-T.
Other names: short protein forms L166F.
Identifiers: ClinVar variation 721836 (VCV000721836.6), dbSNP rs115711488, ClinGen allele CA5525936.
Genomic context (GRCh38, chr10:68,572,834, plus strand): 5'-CCTGCTTTGGGAGTAAAGCACTCAGAAAATGATTCGGTTCCAATGCAAGACACCCAAGTC[C>T]TTCCTGATATAGAGACTCTAATTGGTGTACAAAATCCCTCTTTACTTAAAGGTAAGAGCC-3'
Protein context (NP_085128.2, residues 156-176): DSVPMQDTQV[Leu166Phe]PDIETLIGVQ

ClinVar aggregate classification (germline): Benign. Review status: criteria provided, multiple submitters, no conflicts (2 of 4 stars). 3 submissions from 3 submitters: Benign (2). 1 of the submissions does not count toward it. Last evaluated 2018-05-22.

Conditions:
TET1-related disorder. Also called: TET1-related condition.

Allele frequency attached by ClinVar (database versions not stated): gnomAD exomes 0.00030 and 0.00072; ExAC 0.00088; ESP Exome Variant Server 0.00277; 1000 Genomes Project 0.00280; 1000 Genomes Project 30x 0.00281; gnomAD 0.00339 and 0.00373; TOPMed 0.00370.

Submissions (3):

Labcorp Genetics (formerly Invitae), Labcorp
Classification: Benign. Last evaluated: 2018-05-22. Review status: criteria provided, single submitter. Criteria: Invitae Variant Classification Sherloc (09022015). Collection method: clinical testing. Allele origin: germline.

Breakthrough Genomics
Classification: Benign. Review status: criteria provided, single submitter. Criteria: ACMG Guidelines, 2015. Collection method: not provided. Allele origin: germline. Inheritance: Unknown mechanism. Affected: yes.

PreventionGenetics, part of Exact Sciences
Classification: Benign for TET1-related condition. Last evaluated: 2019-06-12. Review status: no assertion criteria provided. Collection method: clinical testing. Allele origin: germline. Not counted in ClinVar's aggregate classification.
Comment: This variant is classified as benign based on ACMG/AMP sequence variant interpretation guidelines (Richards et al. 2015 PMID: 25741868, with internal and published modifications).